The following is an entry in ClinVar:

ClinVar aggregate classification (germline): Pathogenic (1 of 4 stars; one submission).

Conditions:
Lynch syndrome 4 (LYNCH4). Also called: Hereditary non-polyposis colorectal cancer, type 4; Colorectal cancer, hereditary nonpolyposis, type 4. Identifiers: Orphanet 144, MedGen C1838333, MONDO:0013699, OMIM 614337. Disease mechanism: loss of function.

Submission:

Myriad Genetics, Inc.
Classification: Pathogenic for Lynch syndrome 4. Last evaluated: 2023-09-20. Review status: criteria provided, single submitter. Criteria: Myriad Autosomal Dominant, Autosomal Recessive and X-Linked Classification Criteria (2023). Collection method: clinical testing. Allele origin: unknown.
Comment: This variant is considered pathogenic. This variant creates a frameshift predicted to result in premature protein truncation.

NM_000535.7(PMS2):c.1716_1718delinsCAACTAAAACG (p.Thr573delinsAsnTer)

Gene: PMS2 (PMS1 homolog 2, mismatch repair system component; minus strand). Cytogenetic location: 7p22.1.
Variant type: Indel.
Coding change: c.1716_1718delinsCAACTAAAACG on transcript NM_000535.7 (MANE Select); coding-DNA positions 1716 to 1718, AAC replaced by CAACTAAAACG.
Protein change: p.Thr573delinsAsnTer.
Molecular consequence: nonsense. On other transcripts: frameshift variant (1), non-coding transcript variant (1), intron variant (1).
Genome position (GRCh38, 1-based): chr7:5,987,047-5,987,049, GTT replaced by CGTTTTAGTTG on the plus strand (AAC replaced by CAACTAAAACG on the coding strand, the reverse complement: PMS2 is on the minus strand). VCF-style: chr7-5987047-GTT-CGTTTTAGTTG. GRCh37 (hg19) VCF-style: chr7-6026678-GTT-CGTTTTAGTTG.
Other names: c.1311_1313delAACinsCAACTAAAACG, p.Thr438Asnfs (NM_001018040.1); c.1311_1313delinsCAACTAAAACG, p.Thr438delinsAsnTer (NM_001322003.2, NM_001322004.2, NM_001322005.2 and 16 more transcripts); c.1560_1562delinsCAACTAAAACG, p.Thr521delinsAsnTer (NM_001322006.2, NM_001406870.1); c.1398_1400delinsCAACTAAAACG, p.Thr467delinsAsnTer (NM_001322007.2, NM_001322008.2, NM_001406876.1 and 2 more transcripts); c.1155_1157delinsCAACTAAAACG, p.Thr386delinsAsnTer (NM_001322010.2, NM_001406906.1, NM_001406907.1); c.783_785delinsCAACTAAAACG, p.Thr262delinsAsnTer (NM_001322011.2, NM_001322012.2); c.1143_1145delinsCAACTAAAACG, p.Thr382delinsAsnTer (NM_001322013.2, NM_001406909.1); c.1716_1718delinsCAACTAAAACG, p.Thr573delinsAsnTer (NM_001322014.2, NM_001406871.1, NM_001406872.1); and 14 more.
Identifiers: ClinVar variation 2674212 (VCV002674212.1), dbSNP rs2535744456, ClinGen allele CA2695198419.